The following is an entry in ClinVar:

ClinVar aggregate classification (germline): Uncertain significance. Review status: criteria provided, multiple submitters, no conflicts (2 of 4 stars). 2 submissions from 2 submitters: Uncertain significance (2). Last evaluated 2024-05-21.

Conditions:
Inborn genetic diseases. Identifiers: MedGen C0950123, MeSH D030342.
Spastic ataxia 2. Also called: Ataxia, spastic, 2, autosomal recessive. Identifiers: Orphanet 397946, MedGen C1969796, MONDO:0012651, OMIM 611302.

Allele frequency attached by ClinVar (database versions not stated): gnomAD 0.00001; ExAC 0.00002; TOPMed 0.00002.

Submissions (2):

Ambry Genetics
Classification: Uncertain significance for Inborn genetic diseases. Last evaluated: 2024-05-21. Review status: criteria provided, single submitter. Criteria: Ambry Variant Classification Scheme 2023. Collection method: clinical testing. Allele origin: germline.

Labcorp Genetics (formerly Invitae), Labcorp
Classification: Uncertain significance for Spastic ataxia 2. Last evaluated: 2022-03-31. Review status: criteria provided, single submitter. Criteria: Invitae Variant Classification Sherloc (09022015). Collection method: clinical testing. Allele origin: germline.
Comment: In summary, the available evidence is currently insufficient to determine the role of this variant in disease. Therefore, it has been classified as a Variant of Uncertain Significance. Algorithms developed to predict the effect of missense changes on protein structure and function are either unavailable or do not agree on the potential impact of this missense change (SIFT: "Deleterious"; PolyPhen-2: "Probably Damaging"; Align-GVGD: "Class C0"). This variant has not been reported in the literature in individuals affected with KIF1C-related conditions. The frequency data for this variant in the population databases is considered unreliable, as metrics indicate poor data quality at this position in the gnomAD database. This sequence change replaces arginine, which is basic and polar, with histidine, which is basic and polar, at codon 18 of the KIF1C protein (p.Arg18His).

NM_006612.6(KIF1C):c.53G>A (p.Arg18His)

Gene: KIF1C (kinesin family member 1C; plus strand). Cytogenetic location: 17p13.2.
Variant type: single nucleotide variant.
Coding change: c.53G>A on transcript NM_006612.6 (MANE Select); coding-DNA position 53, G replaced by A.
Protein change: p.Arg18His; replaces arginine 18 with histidine.
Molecular consequence: missense variant.
Genome position (GRCh38, 1-based): chr17:5,000,299, G>A. VCF-style: chr17-5000299-G-A. GRCh37 (hg19) VCF-style: chr17-4903594-G-A.
Other names: c.53G>A (NM_006612.5); short protein forms R18H.
Identifiers: ClinVar variation 2053151 (VCV002053151.4), dbSNP rs756916879, ClinGen allele CA8318426.